The following is an entry in ClinVar:

ClinVar aggregate classification (germline): Uncertain significance (1 of 4 stars; one submission).

Conditions:
Neurofibromatosis, type 1 (NF1). Also called: VON RECKLINGHAUSEN DISEASE; NEUROFIBROMATOSIS, TYPE I, SOMATIC; Peripheral type neurofibromatosis; Neurofibromatosis, type I. Identifiers: Orphanet 636, MedGen C0027831, MONDO:0018975, OMIM 162200. Disease mechanism: loss of function.

Submission:

Labcorp Genetics (formerly Invitae), Labcorp
Classification: Uncertain significance for Neurofibromatosis, type 1. Last evaluated: 2022-08-09. Review status: criteria provided, single submitter. Criteria: Invitae Variant Classification Sherloc (09022015). Collection method: clinical testing. Allele origin: germline.
Comment: This variant is not present in population databases (gnomAD no frequency). This sequence change replaces threonine, which is neutral and polar, with alanine, which is neutral and non-polar, at codon 1568 of the NF1 protein (p.Thr1568Ala). This variant has not been reported in the literature in individuals affected with NF1-related conditions. ClinVar contains an entry for this variant (Variation ID: 1506558). Algorithms developed to predict the effect of missense changes on protein structure and function are either unavailable or do not agree on the potential impact of this missense change (SIFT: "Tolerated"; PolyPhen-2: "Possibly Damaging"; Align-GVGD: "Class C0"). In summary, the available evidence is currently insufficient to determine the role of this variant in disease. Therefore, it has been classified as a Variant of Uncertain Significance.

NM_001042492.3(NF1):c.4765A>G (p.Thr1589Ala)

Gene: NF1 (neurofibromin 1; plus strand). Cytogenetic location: 17q11.2.
Variant type: single nucleotide variant.
Coding change: c.4765A>G on transcript NM_001042492.3 (MANE Select); coding-DNA position 4765, A replaced by G.
Protein change: p.Thr1589Ala; replaces threonine 1589 with alanine.
Molecular consequence: missense variant.
Genome position (GRCh38, 1-based): chr17:31,265,269, A>G. VCF-style: chr17-31265269-A-G. GRCh37 (hg19) VCF-style: chr17-29592287-A-G.
Other names: c.4702A>G, p.Thr1568Ala (NM_000267.4); short protein forms T1568A, T1589A.
Identifiers: ClinVar variation 1506558 (VCV001506558.6), dbSNP rs2067765502, ClinGen allele CA399001241.
Genomic context (GRCh38, chr17:31,265,269, plus strand): 5'-CTCTGTTATTTTTCTTTTAGGCATCAGGTACATGAAAAAGAAGAATTCAAGGCTTTGAAA[A>G]CGTTAAGTATTTTCTACCAAGCTGGGACTTCCAAAGCTGGGAATCCTATTTTTTATTATG-3'
Protein context (NP_001035957.1, residues 1579-1599): HEKEEFKALK[Thr1589Ala]LSIFYQAGTS